The following is an entry in ClinVar:

NM_004727.3(SLC24A1):c.2628A>G (p.Glu876=)

Gene: SLC24A1 (solute carrier family 24 member 1; plus strand). Cytogenetic location: 15q22.31.
Variant type: single nucleotide variant.
Coding change: c.2628A>G on transcript NM_004727.3 (MANE Select); coding-DNA position 2628, A replaced by G.
Protein change: p.Glu876=; no amino-acid change (glutamic acid 876 retained).
Molecular consequence: synonymous variant.
Genome position (GRCh38, 1-based): chr15:65,650,777, A>G. VCF-style: chr15-65650777-A-G. GRCh37 (hg19) VCF-style: chr15-65943115-A-G.
Other names: c.2628A>G (NM_004727.2); c.609A>G, p.Glu203= (NM_001254740.2); c.2628A>G, p.Glu876= (NM_001301031.1); c.2574A>G, p.Glu858= (NM_001301032.1, NM_001301033.2); c.2286A>G, p.Glu762= (NM_001411142.1).
Identifiers: ClinVar variation 2907606 (VCV002907606.26), dbSNP rs764396401, ClinGen allele CA7620165.

ClinVar aggregate classification (germline): Likely benign. Review status: criteria provided, multiple submitters, no conflicts (2 of 4 stars). 3 submissions from 3 submitters: Likely benign (3). Last evaluated 2025-09-01.

Conditions:
SLC24A1-related disorder. Also called: SLC24A1-related condition.

Allele frequency attached by ClinVar (database versions not stated): TOPMed 0.00001; ExAC 0.00002; gnomAD exomes 0.00002.
gnomAD v4.1: 12 of 1,610,806 alleles (0.00074%); highest among the groups gnomAD compares: Non-Finnish European, 0.00093%; no homozygotes.

Submissions (3):

CeGaT Center for Human Genetics Tuebingen
Classification: Likely benign. Last evaluated: 2025-09-01. Review status: criteria provided, single submitter. Criteria: CeGaT Center For Human Genetics Tuebingen Variant Classification Criteria Version 2. Collection method: clinical testing. Allele origin: germline. Affected: yes. Observed: 2 variant alleles.
Comment: SLC24A1: BP4, BP7

PreventionGenetics, part of Exact Sciences
Classification: Likely benign for SLC24A1-related condition. Last evaluated: 2025-05-10. Review status: criteria provided, single submitter. Criteria: ACMG Guidelines, 2015. Collection method: clinical testing. Allele origin: germline.
Comment: This variant is classified as likely benign based on ACMG/AMP sequence variant interpretation guidelines (Richards et al. 2015 PMID: 25741868, with internal and published modifications).

Labcorp Genetics (formerly Invitae), Labcorp
Classification: Likely benign. Last evaluated: 2024-01-26. Review status: criteria provided, single submitter. Criteria: Invitae Variant Classification Sherloc (09022015). Collection method: clinical testing. Allele origin: germline.